The following is an entry in ClinVar:

ClinVar aggregate classification (germline): Uncertain significance (1 of 4 stars; one submission).

Conditions:
Multiple endocrine neoplasia type 4. Also called: MULTIPLE ENDOCRINE NEOPLASIA, TYPE IV. Identifiers: Orphanet 276152, MedGen C1970712, MONDO:0012552, OMIM 610755.

Submission:

Labcorp Genetics (formerly Invitae), Labcorp
Classification: Uncertain significance for Multiple endocrine neoplasia type 4. Last evaluated: 2020-08-20. Review status: criteria provided, single submitter. Criteria: Invitae Variant Classification Sherloc (09022015). Collection method: clinical testing. Allele origin: germline.
Comment: In summary, the available evidence is currently insufficient to determine the role of this variant in disease. Therefore, it has been classified as a Variant of Uncertain Significance. Experimental studies have shown that this variant does not substantially affect CDKN1B protein function (PMID: 28425505). This variant has not been reported in the literature in individuals with CDKN1B-related conditions. This variant is not present in population databases (ExAC no frequency). This sequence change replaces aspartic acid with asparagine at codon 37 of the CDKN1B protein (p.Asp37Asn). The aspartic acid residue is weakly conserved and there is a small physicochemical difference between aspartic acid and asparagine.

Literature cited by the submitters: PubMed 28425505.

NM_004064.5(CDKN1B):c.109G>A (p.Asp37Asn)

Gene: CDKN1B (cyclin dependent kinase inhibitor 1B; plus strand). Cytogenetic location: 12p13.1.
Variant type: single nucleotide variant.
Coding change: c.109G>A on transcript NM_004064.5 (MANE Select); coding-DNA position 109, G replaced by A.
Protein change: p.Asp37Asn; replaces aspartic acid 37 with asparagine.
Molecular consequence: missense variant.
Genome position (GRCh38, 1-based): chr12:12,717,948, G>A. VCF-style: chr12-12717948-G-A. GRCh37 (hg19) VCF-style: chr12-12870882-G-A.
Other names: short protein forms D37N.
Identifiers: ClinVar variation 1014220 (VCV001014220.8), dbSNP rs1946488666, ClinGen allele CA383968660.